The following is an entry in ClinVar:

NM_001035.3(RYR2):c.2600T>C (p.Val867Ala)

Gene: RYR2 (ryanodine receptor 2; plus strand). Cytogenetic location: 1q43.
Variant type: single nucleotide variant.
Coding change: c.2600T>C on transcript NM_001035.3 (MANE Select); coding-DNA position 2600, T replaced by C.
Protein change: p.Val867Ala; replaces valine 867 with alanine.
Molecular consequence: missense variant.
Genome position (GRCh38, 1-based): chr1:237,503,492, T>C. VCF-style: chr1-237503492-T-C. GRCh37 (hg19) VCF-style: chr1-237666792-T-C.
Other names: short protein forms V867A.
Identifiers: ClinVar variation 2693967 (VCV002693967.3), dbSNP rs2545892133, ClinGen allele CA345379652.

ClinVar aggregate classification (germline): Uncertain significance (1 of 4 stars; one submission).

Conditions:
Catecholaminergic polymorphic ventricular tachycardia 1. Also called: VENTRICULAR TACHYCARDIA, CATECHOLAMINERGIC POLYMORPHIC, 1, WITH OR WITHOUT ATRIAL DYSFUNCTION AND/OR DILATED CARDIOMYOPATHY; VENTRICULAR TACHYCARDIA, STRESS-INDUCED POLYMORPHIC 1; RYR2-Related Catecholaminergic Polymorphic Ventricular Tachycardia. Identifiers: Orphanet 3286, MedGen C1631597, MONDO:0011484, OMIM 604772.

Submission:

Labcorp Genetics (formerly Invitae), Labcorp
Classification: Uncertain significance for Catecholaminergic polymorphic ventricular tachycardia 1. Last evaluated: 2023-11-07. Review status: criteria provided, single submitter. Criteria: Invitae Variant Classification Sherloc (09022015). Collection method: clinical testing. Allele origin: germline.
Comment: This sequence change replaces valine, which is neutral and non-polar, with alanine, which is neutral and non-polar, at codon 867 of the RYR2 protein (p.Val867Ala). This variant is not present in population databases (gnomAD no frequency). This variant has not been reported in the literature in individuals affected with RYR2-related conditions. Advanced modeling of protein sequence and biophysical properties (such as structural, functional, and spatial information, amino acid conservation, physicochemical variation, residue mobility, and thermodynamic stability) performed at Invitae indicates that this missense variant is expected to disrupt RYR2 protein function with a positive predictive value of 95%. In summary, the available evidence is currently insufficient to determine the role of this variant in disease. Therefore, it has been classified as a Variant of Uncertain Significance.